The following is an entry in ClinVar:

ClinVar aggregate classification (germline): Uncertain significance (1 of 4 stars; one submission).

Conditions:
Primary ciliary dyskinesia 28. Also called: CILIARY DYSKINESIA, PRIMARY, 28, WITH OR WITHOUT SITUS INVERSUS. Identifiers: Orphanet 244, MedGen C3809706, MONDO:0014216, OMIM 615505.

Allele frequency attached by ClinVar (database versions not stated): TOPMed below 0.00001; gnomAD 0.00001; gnomAD exomes 0.00003 and 0.00004; ExAC 0.00006.
gnomAD v4.1: 36 of 1,554,552 alleles (0.0023%); highest among the groups gnomAD compares: South Asian, 0.037%; no homozygotes.

Submission:

Labcorp Genetics (formerly Invitae), Labcorp
Classification: Uncertain significance for Primary ciliary dyskinesia 28. Last evaluated: 2022-08-16. Review status: criteria provided, single submitter. Criteria: Invitae Variant Classification Sherloc (09022015). Collection method: clinical testing. Allele origin: germline.
Comment: This sequence change replaces isoleucine, which is neutral and non-polar, with threonine, which is neutral and polar, at codon 725 of the SPAG1 protein (p.Ile725Thr). This variant is present in population databases (rs746832645, gnomAD 0.04%), including at least one homozygous and/or hemizygous individual. This variant has not been reported in the literature in individuals affected with SPAG1-related conditions. ClinVar contains an entry for this variant (Variation ID: 1349604). Algorithms developed to predict the effect of missense changes on protein structure and function (SIFT, PolyPhen-2, Align-GVGD) all suggest that this variant is likely to be tolerated. In summary, the available evidence is currently insufficient to determine the role of this variant in disease. Therefore, it has been classified as a Variant of Uncertain Significance.

NM_003114.5(SPAG1):c.2174T>C (p.Ile725Thr)

Gene: SPAG1 (sperm associated antigen 1; plus strand). Cytogenetic location: 8q22.2.
Variant type: single nucleotide variant.
Coding change: c.2174T>C on transcript NM_003114.5 (MANE Select); coding-DNA position 2174, T replaced by C.
Protein change: p.Ile725Thr; replaces isoleucine 725 with threonine.
Molecular consequence: missense variant.
Genome position (GRCh38, 1-based): chr8:100,239,298, T>C. VCF-style: chr8-100239298-T-C. GRCh37 (hg19) VCF-style: chr8-101251526-T-C.
Other names: c.2174T>C, p.Ile725Thr (NM_001374321.1, NM_172218.3); short protein forms I725T.
Identifiers: ClinVar variation 1349604 (VCV001349604.3), dbSNP rs746832645, ClinGen allele CA4827687.